The following is an entry in ClinVar:

ClinVar aggregate classification (germline): Pathogenic (1 of 4 stars; one submission).

Conditions:
Polycystic kidney disease, adult type (PKD1). Also called: POLYCYSTIC KIDNEY DISEASE, ADULT, TYPE I; Polycystic Kidney Disease 1, Autosomal Dominant; Polycystic kidney disease 1; Polycystic kidney disease 1, severe; POLYCYSTIC KIDNEY DISEASE 1 WITH OR WITHOUT POLYCYSTIC LIVER DISEASE; Polycystic Kidney, Autosomal Dominant. Identifiers: MedGen C3149841, MONDO:0008263, OMIM 173900.

Submission:

Laboratorio de Genetica e Diagnostico Molecular, Hospital Israelita Albert Einstein
Classification: Pathogenic for Polycystic kidney disease, adult type. Last evaluated: 2026-02-04. Review status: criteria provided, single submitter. Criteria: ACMG Guidelines, 2015. Collection method: clinical testing. Allele origin: germline. Affected: yes.
Comment: ACMG classification criteria: PVS1 very strong, PS4 supporting, PM2 supporting

NM_001009944.3(PKD1):c.11202C>A (p.Tyr3734Ter)

Genes: PKD1 (polycystin 1, transient receptor potential channel interacting; minus strand), PKD1-AS1 (PKD1 antisense RNA 1; plus strand). Cytogenetic location: 16p13.3.
Variant type: single nucleotide variant.
Coding change: c.11202C>A on transcript NM_001009944.3 (MANE Select); coding-DNA position 11202, C replaced by A.
Protein change: p.Tyr3734Ter; replaces tyrosine 3734 with a stop codon.
Molecular consequence: nonsense.
Genome position (GRCh38, 1-based): chr16:2,092,547, G>T on the plus strand (C>A on the coding strand, the complement: PKD1 is on the minus strand). VCF-style: chr16-2092547-G-T. GRCh37 (hg19) VCF-style: chr16-2142548-G-T.
Other names: c.11199C>A, p.Tyr3733Ter (NM_000296.4); short protein forms Y3733*, Y3734*.
Identifiers: ClinVar variation 4846885 (VCV004846885.1).